The following is an entry in ClinVar:

ClinVar aggregate classification (germline): Uncertain significance (1 of 4 stars; one submission).

Submission:

Greenwood Genetic Center Diagnostic Laboratories, Greenwood Genetic Center
Classification: Uncertain significance. Last evaluated: 2025-06-11. Review status: criteria provided, single submitter. Criteria: ACMG Guidelines, 2015. Collection method: clinical testing. Allele origin: germline. Affected: yes.
Comment: PM2

NM_031407.7(HUWE1):c.*977T>G

Gene: HUWE1 (HECT, UBA and WWE domain containing E3 ubiquitin protein ligase 1; minus strand). Cytogenetic location: Xp11.22.
Variant type: single nucleotide variant.
Coding change: c.*977T>G on transcript NM_031407.7 (MANE Select); 977 bases downstream of the stop codon, T replaced by G.
Molecular consequence: 3 prime UTR variant.
Genome position (GRCh38, 1-based): chrX:53,532,332, A>C on the plus strand (T>G on the coding strand, the complement: HUWE1 is on the minus strand). VCF-style: chrX-53532332-A-C. GRCh37 (hg19) VCF-style: chrX-53559293-A-C.
Other names: c.*977T>G (NM_001441048.1, NM_001441049.1, NM_001441050.1 and 8 more transcripts).
Identifiers: ClinVar variation 4538302 (VCV004538302.1).